The following is an entry in ClinVar:

NM_000368.5(TSC1):c.2304dup (p.Asp769Ter)

Gene: TSC1 (TSC complex subunit 1; minus strand). Cytogenetic location: 9q34.13.
Variant type: Duplication.
Coding change: c.2304dup on transcript NM_000368.5 (MANE Select); coding-DNA position 2304, one base duplicated (T; older notation c.2304dupT).
Protein change: p.Asp769Ter; replaces aspartic acid 769 with a stop codon.
Molecular consequence: nonsense.
Genome position (GRCh38, 1-based): chr9:132,902,692, A duplicated on the plus strand (T on the coding strand, the reverse complement: TSC1 is on the minus strand). VCF-style (leftmost placement, unchanged base first): chr9-132902691-C-CA. GRCh37 (hg19) VCF-style: chr9-135778078-C-CA.
Other names: c.2301dup, p.Asp768Ter (NM_001162426.2); c.2151dup, p.Asp718Ter (NM_001162427.2); c.1941dup, p.Asp648Ter (NM_001362177.2); short protein forms D768*, D769*, D648*, D718*.
Identifiers: ClinVar variation 1362329 (VCV001362329.8), dbSNP rs2131734694, ClinGen allele CA2573144232.

ClinVar aggregate classification (germline): Pathogenic (1 of 4 stars; one submission).

Conditions:
Tuberous sclerosis 1 (TSC1). Identifiers: Orphanet 805, MedGen C1854465, MONDO:0008612, OMIM 191100.

Submission:

Labcorp Genetics (formerly Invitae), Labcorp
Classification: Pathogenic for Tuberous sclerosis 1. Last evaluated: 2022-07-05. Review status: criteria provided, single submitter. Criteria: Invitae Variant Classification Sherloc (09022015). Collection method: clinical testing. Allele origin: germline.
Comment: This variant is not present in population databases (gnomAD no frequency). For these reasons, this variant has been classified as Pathogenic. ClinVar contains an entry for this variant (Variation ID: 1362329). This premature translational stop signal has been observed in individual(s) with clinical features of TSC1-related conditions (PMID: 21520333). This sequence change creates a premature translational stop signal (p.Asp769*) in the TSC1 gene. It is expected to result in an absent or disrupted protein product. Loss-of-function variants in TSC1 are known to be pathogenic (PMID: 10227394, 17304050).

Literature cited by the submitters: PubMed 21520333; PubMed 10227394; PubMed 17304050.